The following is an entry in ClinVar:

ClinVar aggregate classification (germline): Uncertain significance (1 of 4 stars; one submission).

gnomAD v4.1: 21 of 1,602,254 alleles (0.0013%); highest among the groups gnomAD compares: Non-Finnish European, 0.0016%; no homozygotes.

Submission:

Labcorp Genetics (formerly Invitae), Labcorp
Classification: Uncertain significance. Last evaluated: 2025-12-22. Review status: criteria provided, single submitter. Criteria: Invitae Variant Classification Sherloc (09022015). Collection method: clinical testing. Allele origin: germline.
Comment: This sequence change replaces valine, which is neutral and non-polar, with alanine, which is neutral and non-polar, at codon 157 of the PSMA3 protein (p.Val157Ala). The frequency data for this variant in the population databases is considered unreliable, as metrics indicate poor data quality at this position in the gnomAD database. This variant has not been reported in the literature in individuals affected with PSMA3-related conditions. An algorithm developed to predict the effect of missense changes on protein structure and function (PolyPhen-2) suggests that this variant is likely to be tolerated. In summary, the available evidence is currently insufficient to determine the role of this variant in disease. Therefore, it has been classified as a Variant of Uncertain Significance.

NM_002788.4(PSMA3):c.470T>C (p.Val157Ala)

Gene: PSMA3 (proteasome 20S subunit alpha 3; plus strand). Cytogenetic location: 14q23.1.
Variant type: single nucleotide variant.
Coding change: c.470T>C on transcript NM_002788.4 (MANE Select); coding-DNA position 470, T replaced by C.
Protein change: p.Val157Ala; replaces valine 157 with alanine.
Molecular consequence: missense variant. On other transcripts: non-coding transcript variant (1).
Genome position (GRCh38, 1-based): chr14:58,261,013, T>C. VCF-style: chr14-58261013-T-C. GRCh37 (hg19) VCF-style: chr14-58727731-T-C.
Other names: c.449T>C, p.Val150Ala (NM_152132.3); short protein forms V157A, V150A.
Identifiers: ClinVar variation 4774504 (VCV004774504.1).